The following is an entry in ClinVar:

ClinVar aggregate classification (germline): Uncertain significance. Review status: criteria provided, single submitter (1 of 4 stars). 2 submissions from 2 submitters: Uncertain significance (1). 1 of the submissions does not count toward it. Last evaluated 2014-10-01.

Conditions:
TTN-related disorder. Also called: TTN-related disorders; TTN-related condition; TTN-related disease.

Allele frequency attached by ClinVar (database versions not stated): TOPMed below 0.00001; gnomAD 0.00001; gnomAD exomes 0.00001.
gnomAD v4.1: 14 of 1,613,296 alleles (0.00087%); highest among the groups gnomAD compares: Non-Finnish European, 0.0012%; no homozygotes.

Submissions (2):

Laboratory for Molecular Medicine, Mass General Brigham Personalized Medicine
Classification: Uncertain significance. Last evaluated: 2014-10-01. Review status: criteria provided, single submitter. Criteria: LMM Criteria. Collection method: clinical testing. Allele origin: germline. Observed: 1 variant allele.
Comment: The p.Gly3627Ala variant in TTN has not been previously reported in individuals with cardiomyopathy or in large population studies. Computational prediction too ls and conservation analysis are limited or unavailable for this variant. In sum mary, the clinical significance of the p.Gly3627Ala variant is uncertain.

PreventionGenetics, part of Exact Sciences
Classification: Uncertain significance for TTN-related condition. Last evaluated: 2024-05-14. Review status: no assertion criteria provided. Collection method: clinical testing. Allele origin: germline. Not counted in ClinVar's aggregate classification.
Comment: The TTN c.10880G>C variant is predicted to result in the amino acid substitution p.Gly3627Ala. To our knowledge, this variant has not been reported in the literature or in a large population database, indicating this variant is rare. At this time, the clinical significance of this variant is uncertain due to the absence of conclusive functional and genetic evidence.

NM_133379.5(TTN):c.10880G>C (p.Gly3627Ala)

Gene: TTN (titin; minus strand). Cytogenetic location: 2q31.2.
Variant type: single nucleotide variant.
Coding change: c.10880G>C on transcript NM_133379.5; coding-DNA position 10880, G replaced by C.
Protein change: p.Gly3627Ala; replaces glycine 3627 with alanine.
Molecular consequence: missense variant. On other transcripts: intron variant (6).
Genome position (GRCh38, 1-based): chr2:178,751,520, C>G on the plus strand (G>C on the coding strand, the complement: TTN is on the minus strand). VCF-style: chr2-178751520-C-G. GRCh37 (hg19) VCF-style: chr2-179616247-C-G.
Other names: c.10222+1604G>C (NM_003319.4); c.10798+1604G>C (NM_133437.4); c.10597+1604G>C (NM_133432.3); c.10360+1604G>C (NM_133378.4, NM_001256850.1); c.11311+1604G>C (NM_001267550.2); c.10880G>C (NM_133379.4); short protein forms G3627A.
Identifiers: ClinVar variation 166283 (VCV000166283.6), dbSNP rs727503674, ClinGen allele CA179159.